The following is an entry in ClinVar:

ClinVar aggregate classification (germline): Pathogenic (1 of 4 stars; one submission).

Conditions:
Hereditary cancer-predisposing syndrome. Also called: Hereditary Cancer Syndrome; Neoplastic Syndromes, Hereditary; Tumor predisposition; Hereditary neoplastic syndrome. Identifiers: Orphanet 140162, MedGen C0027672, MeSH D009386, MONDO:0015356.

Submission:

Ambry Genetics
Classification: Pathogenic for Hereditary cancer-predisposing syndrome. Last evaluated: 2015-06-19. Review status: criteria provided, single submitter. Criteria: Ambry Variant Classification Scheme 2023. Collection method: clinical testing. Allele origin: germline.
Comment: The c.5153-19_5160del27 variant (also known as IVS18-19del27), which spans intron 16 and coding exon 17 of the BRCA2 gene, results from a deletion of 27 nucleotides between positions c.5153-19 and c.5160, including the canonical splice acceptor site and eight nucleotides of coding sequence. This variant was not reported in population-based cohorts in the following databases: Database of Single Nucleotide Polymorphisms (dbSNP), NHLBI Exome Sequencing Project (ESP) and 1000 Genomes Project. To date, this alteration has been detected with an allele frequency of approximately 0.001% (greater than 150000 alleles tested) in our clinical cohort. Using the BDGP and ESEfinder splice site prediction tools, this alteration is predicted to abolish the native splice acceptor site; however, direct evidence is unavailable. Alterations that disrupt the canonical splice acceptor site are typically deleterious in nature (ACMG Recommendations for Standards for Interpretation and Reporting of Sequence Variations. Revision 2007. Genet Med. 2008;10:294). As such, the c.5153-19_5160del27 variant is classified as pathogenic.

NM_007294.4(BRCA1):c.5153-19_5160del

Gene: BRCA1 (BRCA1 DNA repair associated; minus strand). Cytogenetic location: 17q21.31.
Variant type: Deletion.
Coding change: c.5153-19_5160del on transcript NM_007294.4 (MANE Select); 19 bases into the intron before coding-DNA position 5153 through coding-DNA position 5160, 27 bases deleted (TTTTCTATGATCTCTTTAGGGGTGACC).
Molecular consequence: splice acceptor variant.
Genome position (GRCh38, 1-based): chr17:43,063,366-43,063,392, GGTCACCCCTAAAGAGATCATAGAAAA deleted on the plus strand (TTTTCTATGATCTCTTTAGGGGTGACC on the coding strand, the reverse complement: BRCA1 is on the minus strand); deleting any 27 consecutive bases within chr17:43,063,366-43,063,393 gives the same sequence; the c. name uses the placement nearest the transcript's 3' end. VCF-style (leftmost placement, unchanged base first): chr17-43063365-GGGTCACCCCTAAAGAGATCATAGAAAA-G. GRCh37 (hg19) VCF-style: chr17-41215382-GGGTCACCCCTAAAGAGATCATAGAAAA-G.
Other names: c.1700-19_1707del (NM_001408458.1, NM_001408461.1, NM_001408464.1 and 7 more transcripts); c.4262-19_4269del (NM_001407967.1); c.4772-19_4779del (NM_001407959.1); c.4886-19_4893del (NM_001407931.1, NM_001407932.1, NM_001407928.1 and 4 more transcripts); c.5009-19_5016del (NM_001407747.1, NM_001407745.1, NM_001407737.1 and 21 more transcripts); c.4769-19_4776del (NM_001407962.1, NM_001407960.1); c.1340-19_1347del (NM_001408512.1); c.1463-19_1470del (NM_001408510.1); and 72 more.
Identifiers: ClinVar variation 1745681 (VCV001745681.2), dbSNP rs2549378092, ClinGen allele CA2580093939.